The following is an entry in ClinVar:

NM_005334.3(HCFC1):c.1085-16C>G

Gene: HCFC1 (host cell factor C1; minus strand). Cytogenetic location: Xq28.
Variant type: single nucleotide variant.
Coding change: c.1085-16C>G on transcript NM_005334.3 (MANE Select); 16 bases into the intron before coding-DNA position 1085, C replaced by G.
Molecular consequence: intron variant.
Genome position (GRCh38, 1-based): chrX:153,960,177, G>C on the plus strand (C>G on the coding strand, the complement: HCFC1 is on the minus strand). VCF-style: chrX-153960177-G-C. GRCh37 (hg19) VCF-style: chrX-153225628-G-C.
Other names: p.?.
Identifiers: ClinVar variation 385581 (VCV000385581.10), dbSNP rs201181843, ClinGen allele CA10557553.
Genomic context (GRCh38, chrX:153,960,177, plus strand): 5'-TGTTGGCGCGTACCAGTTGTACTCGGGCTGGGGGTGGTGGCTTTTCTGTGGGAGAACGCA[G>C]TTGGTGAGAAGGGGCGGGAGGCTATGGGAGGAGGGGAGTCGGCTGGGCCGGGCCTACCTG-3'

ClinVar aggregate classification (germline): Benign/Likely benign. Review status: criteria provided, multiple submitters, no conflicts (2 of 4 stars). 3 submissions from 3 submitters: Benign (1); Likely benign (2). Last evaluated 2025-10-23.

Conditions:
Methylmalonic acidemia with homocystinuria, type cblX (MAHCX). Also called: INTELLECTUAL DEVELOPMENTAL DISORDER, X-LINKED 3. Identifiers: Orphanet 369962, MedGen C0796208, MONDO:0010657, OMIM 309541.

Allele frequency attached by ClinVar (database versions not stated): TOPMed 0.00018; gnomAD exomes 0.00022 and 0.00052; gnomAD 0.00007 and 0.00008; 1000 Genomes Project 30x 0.00042; 1000 Genomes Project 0.00053; ExAC 0.00054.

Submissions (3):

Labcorp Genetics (formerly Invitae), Labcorp
Classification: Benign for Methylmalonic acidemia with homocystinuria, type cblX. Last evaluated: 2025-10-23. Review status: criteria provided, single submitter. Criteria: Invitae Variant Classification Sherloc (09022015). Collection method: clinical testing. Allele origin: germline.

Mayo Clinic Laboratories, Mayo Clinic
Classification: Likely benign. Last evaluated: 2024-12-03. Review status: criteria provided, single submitter. Criteria: ACMG Guidelines, 2015. Collection method: clinical testing. Allele origin: germline. Observed: 1 variant allele.
Comment: BP4, BP7

GeneDx
Classification: Likely benign. Last evaluated: 2017-01-04. Review status: criteria provided, single submitter. Criteria: GeneDx Variant Classification (06012015). Collection method: clinical testing. Allele origin: germline. Affected: yes.
Comment: This variant is considered likely benign or benign based on one or more of the following criteria: it is a conservative change, it occurs at a poorly conserved position in the protein, it is predicted to be benign by multiple in silico algorithms, and/or has population frequency not consistent with disease.